The following is an entry in ClinVar:

ClinVar aggregate classification (germline): Conflicting classifications of pathogenicity. Review status: criteria provided, conflicting classifications (1 of 4 stars). 3 submissions from 3 submitters: Uncertain significance (1); Likely benign (2). Last evaluated 2024-12-02.

Conditions:
Inborn genetic diseases. Identifiers: MedGen C0950123, MeSH D030342.

Allele frequency attached by ClinVar (database versions not stated): gnomAD 0.00014; TOPMed 0.00014; ExAC 0.00017; ESP Exome Variant Server 0.00031.
gnomAD v4.1: 470 of 1,613,798 alleles (0.029%); highest among the groups gnomAD compares: Non-Finnish European, 0.038%; no homozygotes.

Submissions (3):

Labcorp Genetics (formerly Invitae), Labcorp
Classification: Uncertain significance. Last evaluated: 2024-12-02. Review status: criteria provided, single submitter. Criteria: Invitae Variant Classification Sherloc (09022015). Collection method: clinical testing. Allele origin: germline.
Comment: This sequence change replaces alanine, which is neutral and non-polar, with valine, which is neutral and non-polar, at codon 399 of the MFSD2A protein (p.Ala399Val). This variant is present in population databases (rs139973362, gnomAD 0.02%). This variant has not been reported in the literature in individuals affected with MFSD2A-related conditions. ClinVar contains an entry for this variant (Variation ID: 2638719). Invitae Evidence Modeling of protein sequence and biophysical properties (such as structural, functional, and spatial information, amino acid conservation, physicochemical variation, residue mobility, and thermodynamic stability) indicates that this missense variant is not expected to disrupt MFSD2A protein function with a negative predictive value of 80%. In summary, the available evidence is currently insufficient to determine the role of this variant in disease. Therefore, it has been classified as a Variant of Uncertain Significance.

Ambry Genetics
Classification: Likely benign for Inborn genetic diseases. Last evaluated: 2023-12-11. Review status: criteria provided, single submitter. Criteria: Ambry Variant Classification Scheme 2023. Collection method: clinical testing. Allele origin: germline.

CeGaT Center for Human Genetics Tuebingen
Classification: Likely benign. Last evaluated: 2023-01-01. Review status: criteria provided, single submitter. Criteria: CeGaT Center For Human Genetics Tuebingen Variant Classification Criteria Version 2. Collection method: clinical testing. Allele origin: germline. Affected: yes. Observed: 1 variant allele.
Comment: MFSD2A: BP4

NM_032793.5(MFSD2A):c.1157C>T (p.Ala386Val)

Gene: MFSD2A (MFSD2 lysolipid transporter A, lysophospholipid; plus strand). Cytogenetic location: 1p34.2.
Variant type: single nucleotide variant.
Coding change: c.1157C>T on transcript NM_032793.5 (MANE Select); coding-DNA position 1157, C replaced by T.
Protein change: p.Ala386Val; replaces alanine 386 with valine.
Molecular consequence: missense variant.
Genome position (GRCh38, 1-based): chr1:39,967,865, C>T. VCF-style: chr1-39967865-C-T. GRCh37 (hg19) VCF-style: chr1-40433537-C-T.
Other names: c.1196C>T, p.Ala399Val (NM_001136493.3); c.689C>T, p.Ala230Val (NM_001287808.2); c.1040C>T, p.Ala347Val (NM_001287809.2); c.1151C>T, p.Ala384Val (NM_001349821.2); c.1073C>T, p.Ala358Val (NM_001349822.2); c.812C>T, p.Ala271Val (NM_001349823.2); c.1196C>T (NM_001136493.1); short protein forms A230V, A271V, A347V, A358V, A384V, A386V, A399V.
Identifiers: ClinVar variation 2638719 (VCV002638719.26), dbSNP rs139973362, ClinGen allele CA788914.